The following is an entry in ClinVar:

ClinVar aggregate classification (germline): Benign. Review status: criteria provided, multiple submitters, no conflicts (2 of 4 stars). 4 submissions from 4 submitters: Benign (4). Last evaluated 2024-07-15.

Conditions:
Autosomal recessive Alport syndrome (ATS2). Also called: COL4A4 Alport Syndrome and Thin Basement Membrane Nephropathy; COL4A3-Related Nephropathy; Alport syndrome type 2; ALPORT SYNDROME 2, AUTOSOMAL RECESSIVE. Identifiers: Orphanet 63, Orphanet 88919, MedGen C4746745, MONDO:0008762, OMIM 203780.

Allele frequency attached by ClinVar (database versions not stated): 1000 Genomes Project 0.81490; 1000 Genomes Project 30x 0.81855; TOPMed 0.85610; gnomAD 0.86605 and 0.86693; ESP Exome Variant Server 0.87871; gnomAD exomes 0.88157; ExAC 0.88308.
gnomAD v4.1: 1,436,494 of 1,590,436 alleles (90%); highest among the groups gnomAD compares: Non-Finnish European, 92%; 650,040 homozygotes.

Submissions (4):

Unidad de Genómica Garrahan, Hospital de Pediatría Garrahan
Classification: Benign. Last evaluated: 2024-07-15. Review status: criteria provided, single submitter. Criteria: ACMG Guidelines, 2015. Collection method: clinical testing. Allele origin: germline. Affected: no. Observed: 91 variant alleles.
Comment: This variant is classified as Benign based on local population frequency. This variant was detected in 98% of patients studied in a panel designed for Epileptic and Developmental Encephalopathy and Progressive Myoclonus Epilepsy. Number of patients: 91. Only high quality variants are reported.

Genome-Nilou Lab
Classification: Benign for Autosomal recessive Alport syndrome. Last evaluated: 2021-06-10. Review status: criteria provided, single submitter. Criteria: ACMG Guidelines, 2015. Collection method: clinical testing. Allele origin: germline. Affected: no.

GeneDx
Classification: Benign. Last evaluated: 2018-06-22. Review status: criteria provided, single submitter. Criteria: GeneDx Variant Classification Process June 2021. Collection method: clinical testing. Allele origin: germline. Affected: yes.

Breakthrough Genomics
Classification: Benign. Review status: criteria provided, single submitter. Criteria: ACMG Guidelines, 2015. Collection method: not provided. Allele origin: germline. Inheritance: Autosomal recessive inheritance. Affected: yes.

NM_000091.5(COL4A3):c.2881+46A>G

Genes: MFF-DT (MFF divergent transcript; minus strand), COL4A3 (collagen type IV alpha 3 chain; plus strand). Cytogenetic location: 2q36.3.
Variant type: single nucleotide variant.
Coding change: c.2881+46A>G on transcript NM_000091.5 (MANE Select); 46 bases into the intron after coding-DNA position 2881, A replaced by G.
Molecular consequence: intron variant.
Genome position (GRCh38, 1-based): chr2:227,284,391, A>G. VCF-style: chr2-227284391-A-G. GRCh37 (hg19) VCF-style: chr2-228149107-A-G.
Identifiers: ClinVar variation 1172991 (VCV001172991.8), dbSNP rs6436672, ClinGen allele CA2147046.